The following is an entry in ClinVar:

NM_004982.4(KCNJ8):c.942T>G (p.Ile314Met)

Genes: KCNJ8 (potassium inwardly rectifying channel subfamily J member 8; minus strand), KCNJ8-AS1 (KCNJ8 antisense RNA 1; plus strand). Cytogenetic location: 12p12.1.
Variant type: single nucleotide variant.
Coding change: c.942T>G on transcript NM_004982.4 (MANE Select); coding-DNA position 942, T replaced by G.
Protein change: p.Ile314Met; replaces isoleucine 314 with methionine.
Molecular consequence: missense variant.
Genome position (GRCh38, 1-based): chr12:21,766,056, A>C on the plus strand (T>G on the coding strand, the complement: KCNJ8 is on the minus strand). VCF-style: chr12-21766056-A-C. GRCh37 (hg19) VCF-style: chr12-21918990-A-C.
Other names: short protein forms I314M.
Identifiers: ClinVar variation 4090520 (VCV004090520.1).

ClinVar aggregate classification (germline): Uncertain significance (1 of 4 stars; one submission).

Conditions:
Cardiovascular phenotype. Identifiers: MedGen CN230736.

Submission:

Ambry Genetics
Classification: Uncertain significance for Cardiovascular phenotype. Last evaluated: 2025-07-03. Review status: criteria provided, single submitter. Criteria: Ambry Variant Classification Scheme 2023. Collection method: clinical testing. Allele origin: germline.
Comment: The p.I314M variant (also known as c.942T>G), located in coding exon 2 of the KCNJ8 gene, results from a T to G substitution at nucleotide position 942. The isoleucine at codon 314 is replaced by methionine, an amino acid with highly similar properties. This amino acid position is conserved. In addition, the in silico prediction for this alteration is inconclusive. Based on the available evidence, the clinical significance of this variant remains unclear.